The following is an entry in ClinVar:

ClinVar aggregate classification (germline): Benign/Likely benign. Review status: criteria provided, multiple submitters, no conflicts (2 of 4 stars). 7 submissions from 7 submitters: Benign (3); Likely benign (3). 1 of the submissions does not count toward it. Last evaluated 2026-08-01.

Conditions:
FLNA-related disorder.
Oto-palato-digital syndrome, type II (OPD2). Also called: Otopalatodigital Syndrome, Type II; Otopalatodigital Syndrome Type 2 (FLNA-OPD2); FACIOPALATOOSSEOUS SYNDROME; OPD II SYNDROME. Identifiers: Orphanet 669, Orphanet 90652, MedGen C1844696, MONDO:0010571, OMIM 304120.
Heterotopia, periventricular, X-linked dominant (PVNH1). Also called: PERIVENTRICULAR NODULAR HETEROTOPIA 4; HETEROTOPIA, PERIVENTRICULAR, 1; PERIVENTRICULAR NODULAR HETEROTOPIA 1; X-linked periventricular heterotopia. Identifiers: Orphanet 2149, Orphanet 82004, MedGen C1848213, MONDO:0010233, OMIM 300049.
Frontometaphyseal dysplasia (FMD1). Identifiers: Orphanet 1826, MedGen C0265293, MONDO:0015942.
Melnick-Needles syndrome (MNS). Also called: Melnick-Needles Syndrome (FLNA-MNS); OSTEODYSPLASTY OF MELNICK AND NEEDLES; MELNICK-NEEDLES OSTEODYSPLASTY. Identifiers: Orphanet 2484, MedGen C0025237, MONDO:0010650, OMIM 309350.
Familial thoracic aortic aneurysm and aortic dissection (TAAD). Also called: Thoracic aortic aneurysms and dissections. Identifiers: Orphanet 91387, MedGen C4707243, MONDO:0019625.

Allele frequency attached by ClinVar (database versions not stated): gnomAD exomes 0.00009; gnomAD 0.00006; TOPMed 0.00006; ExAC 0.00009.
gnomAD v4.1: 102 of 1,209,549 alleles (0.0084%); highest among the groups gnomAD compares: East Asian, 0.05%; 1 homozygote.

Submissions (7):

CeGaT Center for Human Genetics Tuebingen
Classification: Likely benign. Last evaluated: 2026-08-01. Review status: criteria provided, single submitter. Criteria: CeGaT Center For Human Genetics Tuebingen Variant Classification Criteria Version 2. Collection method: clinical testing. Allele origin: germline. Affected: yes. Observed: 1 variant allele.
Comment: FLNA: BP4, BP7, BS2

Labcorp Genetics (formerly Invitae), Labcorp
Classification: Benign for Oto-palato-digital syndrome, type II; Heterotopia, periventricular, X-linked dominant; Frontometaphyseal dysplasia; Melnick-Needles syndrome. Last evaluated: 2025-11-28. Review status: criteria provided, single submitter. Criteria: Invitae Variant Classification Sherloc (09022015). Collection method: clinical testing. Allele origin: germline.

Athena Diagnostics
Classification: Benign. Last evaluated: 2025-04-15. Review status: criteria provided, single submitter. Criteria: Athena Diagnostics Criteria. Collection method: clinical testing. Allele origin: unknown.
Comment: The frequency of this variant in the general population is higher than would generally be expected for pathogenic variants in this gene. Computational tools yielded predictions that this variant is unlikely to have an effect on normal RNA splicing. This nucleotide position exhibits low evolutionary conservation.

Women's Health and Genetics/Laboratory Corporation of America, LabCorp
Classification: Benign. Last evaluated: 2024-06-24. Review status: criteria provided, single submitter. Criteria: LabCorp Variant Classification Summary - May 2015. Collection method: clinical testing. Allele origin: germline.

Ambry Genetics
Classification: Likely benign for Familial thoracic aortic aneurysm and aortic dissection. Last evaluated: 2021-07-02. Review status: criteria provided, single submitter. Criteria: Ambry Variant Classification Scheme 2023. Collection method: clinical testing. Allele origin: germline.

GeneDx
Classification: Likely benign. Last evaluated: 2016-11-17. Review status: criteria provided, single submitter. Criteria: GeneDx Variant Classification (06012015). Collection method: clinical testing. Allele origin: germline. Affected: yes.
Comment: This variant is considered likely benign or benign based on one or more of the following criteria: it is a conservative change, it occurs at a poorly conserved position in the protein, it is predicted to be benign by multiple in silico algorithms, and/or has population frequency not consistent with disease.

PreventionGenetics, part of Exact Sciences
Classification: Likely benign for FLNA-related condition. Last evaluated: 2020-09-30. Review status: no assertion criteria provided. Collection method: clinical testing. Allele origin: germline. Not counted in ClinVar's aggregate classification.
Comment: This variant is classified as likely benign based on ACMG/AMP sequence variant interpretation guidelines (Richards et al. 2015 PMID: 25741868, with internal and published modifications).

NM_001110556.2(FLNA):c.2220G>A (p.Pro740=)

Gene: FLNA (filamin A; minus strand). Cytogenetic location: Xq28.
Variant type: single nucleotide variant.
Coding change: c.2220G>A on transcript NM_001110556.2 (MANE Select); coding-DNA position 2220, G replaced by A.
Protein change: p.Pro740=; no amino-acid change (proline 740 retained).
Molecular consequence: synonymous variant.
Genome position (GRCh38, 1-based): chrX:154,364,082, C>T on the plus strand (G>A on the coding strand, the complement: FLNA is on the minus strand). VCF-style: chrX-154364082-C-T. GRCh37 (hg19) VCF-style: chrX-153592450-C-T.
Other names: c.2220G>A, p.Pro740= (NM_001456.4); c.2220G>A (NM_001110556.1).
Identifiers: ClinVar variation 390772 (VCV000390772.19), dbSNP rs202055800, ClinGen allele CA10560988.
Genomic context (GRCh38, chrX:154,364,082, plus strand): 5'-CCTGAAGGGGCTGTTGGGGATGCTGACGCCTCCCCAGGACACCATGGCTGTGTGCTTCAC[C>T]GGCTTCCTGGGCACGTAGGAGCAGCTGTAAGTGCCATTGCCGTTGTCCTTGACCAACGCC-3'
Protein context (NP_001104026.1, residues 730-750): TYSCSYVPRK[Pro740=]VKHTAMVSWG